The following is an entry in ClinVar:

ClinVar aggregate classification (germline): Pathogenic (1 of 4 stars; one submission).

Conditions:
ALG12-congenital disorder of glycosylation (CDG1G). Also called: CDG Ig; ALG12-CDG; Congenital disorder of glycosylation, type Ig. Identifiers: Orphanet 79324, MedGen C2931001, MONDO:0011783, OMIM 607143.

Submission:

Labcorp Genetics (formerly Invitae), Labcorp
Classification: Pathogenic for ALG12-congenital disorder of glycosylation. Last evaluated: 2025-10-07. Review status: criteria provided, single submitter. Criteria: Invitae Variant Classification Sherloc (09022015). Collection method: clinical testing. Allele origin: germline.
Comment: This sequence change creates a premature translational stop signal (p.Tyr302Profs*31) in the ALG12 gene. It is expected to result in an absent or disrupted protein product. Loss-of-function variants in ALG12 are known to be pathogenic (PMID: 15639192, 31481313). This variant is not present in population databases (gnomAD no frequency). This variant has not been reported in the literature in individuals affected with ALG12-related conditions. For these reasons, this variant has been classified as Pathogenic.

Literature cited by the submitters: PubMed 15639192; PubMed 31481313.

NM_024105.4(ALG12):c.904_908del (p.Tyr302fs)

Gene: ALG12 (ALG12 alpha-1,6-mannosyltransferase; minus strand). Cytogenetic location: 22q13.33.
Variant type: Deletion.
Coding change: c.904_908del on transcript NM_024105.4 (MANE Select); coding-DNA positions 904 to 908, 5 bases deleted (TACTC; older notation c.904_908delTACTC).
Protein change: p.Tyr302fs; shifts the reading frame from tyrosine 302.
Molecular consequence: frameshift variant.
Genome position (GRCh38, 1-based): chr22:49,907,805-49,907,809, GAGTA deleted on the plus strand (TACTC on the coding strand, the reverse complement: ALG12 is on the minus strand); deleting any 5 consecutive bases within chr22:49,907,805-49,907,813 gives the same sequence; the c. name uses the placement nearest the transcript's 3' end. VCF-style (leftmost placement, unchanged base first): chr22-49907804-GGAGTA-G. GRCh37 (hg19) VCF-style: chr22-50301452-GGAGTA-G.
Other names: short protein forms Y302fs.
Identifiers: ClinVar variation 4767896 (VCV004767896.1).